The following is an entry in ClinVar:

ClinVar aggregate classification (germline): Pathogenic. Review status: criteria provided, multiple submitters, no conflicts (2 of 4 stars). 3 submissions from 3 submitters: Pathogenic (2). 1 of the submissions does not count toward it. Last evaluated 2024-11-07.

Conditions:
Glycogen storage disease, type V (GSD5). Also called: PYGM DEFICIENCY; McArdle type glycogen storage disease; MYOPHOSPHORYLASE DEFICIENCY; MCARDLE DISEASE; MUSCLE GLYCOGEN PHOSPHORYLASE DEFICIENCY. Identifiers: Orphanet 368, MedGen C0017924, MONDO:0009293, OMIM 232600.

Allele frequency attached by ClinVar (database versions not stated): gnomAD exomes below 0.00001; ExAC 0.00001; gnomAD 0.00001.

Submissions (3):

Women's Health and Genetics/Laboratory Corporation of America, LabCorp
Classification: Pathogenic for Glycogen storage disease, type V. Last evaluated: 2024-11-07. Review status: criteria provided, single submitter. Criteria: LabCorp Variant Classification Summary - May 2015. Collection method: clinical testing. Allele origin: germline.
Comment: Variant summary: PYGM c.13_14delCT (p.Leu5ValfsX22) results in a premature termination codon, predicted to cause a truncation of the encoded protein or absence of the protein due to nonsense mediated decay, which are commonly known mechanisms for disease. The variant allele was found at a frequency of 4e-06 in 251176 control chromosomes. c.13_14delCT has been reported in the literature in compound heterozygous and homozygous individuals affected with Glycogen Storage Disease, Type V (Rubio_2006, Snchez-Tejerina_2021). These data indicate that the variant is likely to be associated with disease. To our knowledge, no experimental evidence demonstrating an impact on protein function has been reported. The following publications have been ascertained in the context of this evaluation (PMID: 17172620, 33837115). ClinVar contains an entry for this variant (Variation ID: 371064). Based on the evidence outlined above, the variant was classified as pathogenic.

Labcorp Genetics (formerly Invitae), Labcorp
Classification: Pathogenic for Glycogen storage disease, type V. Last evaluated: 2023-07-29. Review status: criteria provided, single submitter. Criteria: Invitae Variant Classification Sherloc (09022015). Collection method: clinical testing. Allele origin: germline.
Comment: This sequence change creates a premature translational stop signal (p.Leu5Valfs*22) in the PYGM gene. It is expected to result in an absent or disrupted protein product. Loss-of-function variants in PYGM are known to be pathogenic (PMID: 8316268, 16786513). This variant is present in population databases (rs772194378, gnomAD 0.0009%). This premature translational stop signal has been observed in individual(s) with glycogen storage disease (PMID: 17172620). ClinVar contains an entry for this variant (Variation ID: 371064). For these reasons, this variant has been classified as Pathogenic.

Counsyl
Classification: Pathogenic for Glycogen storage disease, type V. Last evaluated: 2016-06-21. Review status: no assertion criteria provided. Collection method: clinical testing. Allele origin: unknown. Not counted in ClinVar's aggregate classification.

Literature cited by the submitters: PubMed 17172620 (cited by 3 submitters); PubMed 33837115 (cited by Women's Health and Genetics/Laboratory Corporation of America, LabCorp); PubMed 8316268 (cited by Labcorp Genetics (formerly Invitae), Labcorp); PubMed 16786513 (cited by Labcorp Genetics (formerly Invitae), Labcorp); PubMed 17994553 (cited by Counsyl); PubMed 25240406 (cited by Counsyl).

NM_005609.4(PYGM):c.13_14del (p.Leu5fs)

Gene: PYGM (glycogen phosphorylase, muscle associated; minus strand). Cytogenetic location: 11q13.1.
Variant type: Deletion.
Coding change: c.13_14del on transcript NM_005609.4 (MANE Select); coding-DNA positions 13 to 14, 2 bases deleted (CT; older notation c.13_14delCT).
Protein change: p.Leu5fs; shifts the reading frame from leucine 5.
Molecular consequence: frameshift variant.
Genome position (GRCh38, 1-based): chr11:64,759,885-64,759,886, AG deleted on the plus strand (CT on the coding strand, the reverse complement: PYGM is on the minus strand). VCF-style (leftmost placement, unchanged base first): chr11-64759884-CAG-C. GRCh37 (hg19) VCF-style: chr11-64527356-CAG-C.
Other names: c.13_14del, p.Leu5fs (NM_001164716.1); c.13_14delCT (NM_005609.4); short protein forms L5fs.
Identifiers: ClinVar variation 371064 (VCV000371064.8), dbSNP rs772194378, ClinGen allele CA6080393.